The following is an entry in ClinVar:

NM_058195.4(CDKN2A):c.-9G>A

Gene: CDKN2A (cyclin dependent kinase inhibitor 2A; minus strand). Cytogenetic location: 9p21.3.
Variant type: single nucleotide variant.
Coding change: c.-9G>A on transcript NM_058195.4 (MANE Plus Clinical); 9 bases upstream of the start codon, G replaced by A.
Molecular consequence: 5 prime UTR variant. On other transcripts: intron variant (1).
Genome position (GRCh38, 1-based): chr9:21,994,340, C>T on the plus strand (G>A on the coding strand, the complement: CDKN2A is on the minus strand). VCF-style: chr9-21994340-C-T. GRCh37 (hg19) VCF-style: chr9-21994339-C-T.
Other names: c.-4+481G>A (NM_001363763.2).
Identifiers: ClinVar variation 419742 (VCV000419742.7), dbSNP rs775302601, ClinGen allele CA5012405.

ClinVar aggregate classification (germline): Uncertain significance. Review status: criteria provided, multiple submitters, no conflicts (2 of 4 stars). 3 submissions from 3 submitters: Uncertain significance (2). 1 of the submissions does not count toward it. Last evaluated 2025-03-11.

Conditions:
Hereditary cancer-predisposing syndrome. Also called: Neoplastic Syndromes, Hereditary; Hereditary Cancer Syndrome; Tumor predisposition; Hereditary neoplastic syndrome. Identifiers: Orphanet 140162, MedGen C0027672, MeSH D009386, MONDO:0015356.
CDKN2A-related disorder. Also called: CDKN2A-related condition.

Allele frequency attached by ClinVar (database versions not stated): gnomAD exomes 0.00001; gnomAD 0.00004; TOPMed 0.00006; ExAC 0.00001.
gnomAD v4.1: 11 of 1,606,202 alleles (0.00068%); highest among the groups gnomAD compares: African/African-American, 0.015%; no homozygotes.

Submissions (3):

Color Diagnostics, LLC DBA Color Health
Classification: Uncertain significance for Hereditary cancer-predisposing syndrome. Last evaluated: 2025-03-11. Review status: criteria provided, single submitter. Criteria: ACMG Guidelines, 2015. Collection method: clinical testing. Allele origin: germline.
Comment: The CDKN2A locus encodes two different gene products, p16INK4a and p14ARF. This variant alters a single nucleotide located in the 5' untranslated region of the CDKN2A (p16INK4A) gene. To our knowledge, functional studies have not been reported for this variant. This variant has not been reported in individuals affected with hereditary cancer in the literature. This variant has been identified in 5/263078 chromosomes in the general population by the Genome Aggregation Database (gnomAD). The available evidence is insufficient to determine the role of this variant in disease conclusively. Therefore, this variant is classified as a Variant of Uncertain Significance.

GeneDx
Classification: Uncertain significance. Last evaluated: 2016-07-01. Review status: criteria provided, single submitter. Criteria: GeneDx Variant Classification (06012015). Collection method: clinical testing. Allele origin: germline. Affected: yes.
Comment: This variant is denoted CDKN2A c.-9G>A, and consists of a G>A nucleotide substitution 9 bases upstream of the translation initiation site. The CDKN2A gene encodes the p16 protein, and using an alternate reading frame, the p14-ARF protein as well. This variant occurs just upstream of the start codon for p14-ARF and there have not, to our knowledge, been any published regulatory mutations in the p14-ARF isoform. Although this variant does not appear to affect the start codon or the Kozak translational consensus sequence, there are published variants in p16, including c.-34G>T, that are considered to be pathogenic and predispose to melanoma (Liu 1999, Bisio 2010). This variant was not observed in approximately 6,400 individuals of European and African American ancestry in the NHLBI Exome Sequencing project, suggesting it is not a common benign variant in these populations. Based on currently available information, it is unclear whether CDKN2A c.-9G>A is a pathogenic or benign variant. We consider it to be a variant of uncertain significance.

PreventionGenetics, part of Exact Sciences
Classification: Uncertain significance for CDKN2A-related condition. Last evaluated: 2024-03-06. Review status: no assertion criteria provided. Collection method: clinical testing. Allele origin: germline. Not counted in ClinVar's aggregate classification.
Comment: The CDKN2A c.-9G>A variant is located in the 5' untranslated region. To our knowledge, this variant has not been reported in the literature. This variant is reported in 0.022% of alleles in individuals of African descent in gnomAD. This variant is interpreted as a variant of uncertain significance in ClinVar. Although we suspect that this variant may be benign, at this time, the clinical significance of this variant is uncertain due to the absence of conclusive functional and genetic evidence.